The following is an entry in ClinVar:

ClinVar aggregate classification (germline): Conflicting classifications of pathogenicity. Review status: criteria provided, conflicting classifications (1 of 4 stars). 3 submissions from 3 submitters: Uncertain significance (2); Likely benign (1). Last evaluated 2024-07-25.

gnomAD v4.1: 6 of 1,211,232 alleles (0.0005%); highest among the groups gnomAD compares: Non-Finnish European, 0.00067%; no homozygotes.

Submissions (3):

Ambry Genetics
Classification: Likely benign. Last evaluated: 2024-07-25. Review status: criteria provided, single submitter. Criteria: Ambry Variant Classification Scheme 2023. Collection method: clinical testing. Allele origin: germline.

Blueprint Genetics
Classification: Uncertain significance. Last evaluated: 2020-07-31. Review status: criteria provided, single submitter. Criteria: ACMG Guidelines, 2015. Collection method: clinical testing. Allele origin: germline.

GeneDx
Classification: Uncertain significance. Last evaluated: 2019-09-30. Review status: criteria provided, single submitter. Criteria: GeneDx Variant Classification Process June 2021. Collection method: clinical testing. Allele origin: germline. Affected: yes.
Comment: Not observed in large population cohorts (Lek et al., 2016); In silico analysis, which includes protein predictors and evolutionary conservation, supports a deleterious effect; Has not been previously published as pathogenic or benign to our knowledge

NM_001008537.3(NEXMIF):c.3302G>C (p.Gly1101Ala)

Gene: NEXMIF (neurite extension and migration factor; minus strand). Cytogenetic location: Xq13.3.
Variant type: single nucleotide variant.
Coding change: c.3302G>C on transcript NM_001008537.3 (MANE Select); coding-DNA position 3302, G replaced by C.
Protein change: p.Gly1101Ala; replaces glycine 1101 with alanine.
Molecular consequence: missense variant.
Genome position (GRCh38, 1-based): chrX:74,741,255, C>G on the plus strand (G>C on the coding strand, the complement: NEXMIF is on the minus strand). VCF-style: chrX-74741255-C-G. GRCh37 (hg19) VCF-style: chrX-73961090-C-G.
Other names: c.3302G>C (NM_001008537.2); short protein forms G1101A.
Identifiers: ClinVar variation 1207711 (VCV001207711.5), dbSNP rs1388842555, ClinGen allele CA413666257.